The following is an entry in ClinVar:

NM_000051.4(ATM):c.1039_1040delinsTT (p.Glu347Leu)

Gene: ATM (ATM serine/threonine kinase; plus strand). Cytogenetic location: 11q22.3.
Variant type: Indel.
Coding change: c.1039_1040delinsTT on transcript NM_000051.4 (MANE Select); coding-DNA positions 1039 to 1040, GA replaced by TT.
Protein change: p.Glu347Leu; replaces glutamic acid 347 with leucine.
Molecular consequence: missense variant.
Genome position (GRCh38, 1-based): chr11:108,247,101-108,247,102, GA replaced by TT. VCF-style: chr11-108247101-GA-TT. GRCh37 (hg19) VCF-style: chr11-108117828-GA-TT.
Other names: c.1039_1040delGAinsTT (NM_000051.3); c.1039_1040delinsTT, p.Glu347Leu (NM_001351834.2); short protein forms E347L.
Identifiers: ClinVar variation 481181 (VCV000481181.13), dbSNP rs1555068567, ClinGen allele CA658656200.

ClinVar aggregate classification (germline): Uncertain significance. Review status: criteria provided, multiple submitters, no conflicts (2 of 4 stars). 3 submissions from 3 submitters: Uncertain significance (3). Last evaluated 2025-12-16.

Conditions:
Ataxia-telangiectasia syndrome (AT). Also called: Ataxia telangiectasia (A-T); LOUIS-BAR SYNDROME; ATAXIA-TELANGIECTASIA, FRESNO VARIANT; Ataxia-telangiectasia; Ataxia-telangiectasia, complementation group E; Ataxia-telangiectasia, complementation group D. Identifiers: Orphanet 100, MedGen C0004135, MONDO:0008840, OMIM 208900.
Hereditary cancer-predisposing syndrome. Also called: Tumor predisposition; Hereditary Cancer Syndrome; Neoplastic Syndromes, Hereditary; Hereditary neoplastic syndrome. Identifiers: Orphanet 140162, MedGen C0027672, MeSH D009386, MONDO:0015356.

Submissions (3):

Ambry Genetics
Classification: Uncertain significance for Hereditary cancer-predisposing syndrome. Last evaluated: 2025-12-16. Review status: criteria provided, single submitter. Criteria: Ambry Variant Classification Scheme 2023. Collection method: clinical testing. Allele origin: germline.
Comment: The c.1039_1040delGAinsTT variant, located in coding exon 7 of the ATM gene, results from an in-frame deletion of GA and insertion of TT at nucleotide positions 1039 to 1040. This results in the substitution of the glutamic acid residue for a leucine residue at codon 347, an amino acid with dissimilar properties. This amino acid position is not well conserved in available vertebrate species. In addition, the in silico prediction for this variant is inconclusive (Choi Y et al. PLoS ONE. 2012; 7(10):e46688). Based on the available evidence, the clinical significance of this variant remains unclear.

Labcorp Genetics (formerly Invitae), Labcorp
Classification: Uncertain significance for Ataxia-telangiectasia syndrome. Last evaluated: 2024-06-15. Review status: criteria provided, single submitter. Criteria: Invitae Variant Classification Sherloc (09022015). Collection method: clinical testing. Allele origin: germline.
Comment: This sequence change replaces glutamic acid, which is acidic and polar, with leucine, which is neutral and non-polar, at codon 347 of the ATM protein (p.Glu347Leu). Information on the frequency of this variant in the gnomAD database is not available, as this variant may be reported differently in the database. This variant has not been reported in the literature in individuals affected with ATM-related conditions. ClinVar contains an entry for this variant (Variation ID: 481181). An algorithm developed to predict the effect of missense changes on protein structure and function (PolyPhen-2) suggests that this variant is likely to be disruptive. In summary, the available evidence is currently insufficient to determine the role of this variant in disease. Therefore, it has been classified as a Variant of Uncertain Significance.

GeneDx
Classification: Uncertain significance. Last evaluated: 2022-10-07. Review status: criteria provided, single submitter. Criteria: GeneDx Variant Classification Process June 2021. Collection method: clinical testing. Allele origin: germline. Affected: yes.
Comment: Not observed at significant frequency in large population cohorts (gnomAD); In silico analysis supports a deleterious effect on protein structure/function; In-silico analysis is inconclusive as to whether the variant alters gene splicing. In the absence of RNA/functional studies, the actual effect of this sequence change is unknown.; Has not been previously published as pathogenic or benign to our knowledge